The following is an entry in ClinVar:

NM_000257.4(MYH7):c.1608G>T (p.Glu536Asp)

Gene: MYH7 (myosin heavy chain 7; minus strand). Cytogenetic location: 14q11.2.
Variant type: single nucleotide variant.
Coding change: c.1608G>T on transcript NM_000257.4 (MANE Select); coding-DNA position 1608, G replaced by T.
Protein change: p.Glu536Asp; replaces glutamic acid 536 with aspartic acid.
Molecular consequence: missense variant.
Genome position (GRCh38, 1-based): chr14:23,427,865, C>A on the plus strand (G>T on the coding strand, the complement: MYH7 is on the minus strand). VCF-style: chr14-23427865-C-A. GRCh37 (hg19) VCF-style: chr14-23897074-C-A.
Other names: short protein forms E536D.
Identifiers: ClinVar variation 177671 (VCV000177671.6), dbSNP rs397516115, ClinGen allele CA011054.
Genomic context (GRCh38, chr14:23,427,865, plus strand): 5'-GTGGTTGTCAAACAGCTTGGCCTTGAAGGTCATGTCGGTGGCCTTGGGGAACATGCACTC[C>A]TCTTCCAGGATGGACATGATGCCCATGGGCTGAGGAAGCAGGAGAGAGCATCACTGAGTG-3'
Protein context (NP_000248.2, residues 526-546): KPMGIMSILE[Glu536Asp]ECMFPKATDM

ClinVar aggregate classification (germline): Conflicting classifications of pathogenicity. Review status: criteria provided, conflicting classifications (1 of 4 stars). 2 submissions from 2 submitters: Likely pathogenic (1); Uncertain significance (1). Last evaluated 2025-03-27.

Conditions:
Hypertrophic cardiomyopathy. Also called: HYPERTROPHIC MYOCARDIOPATHY. Identifiers: Orphanet 217569, MedGen C0007194, MeSH D002312, MONDO:0005045, HP:0001639.

Submissions (2):

GeneDx
Classification: Likely pathogenic. Last evaluated: 2025-03-27. Review status: criteria provided, single submitter. Criteria: GeneDx Variant Classification Process June 2021. Collection method: clinical testing. Allele origin: germline. Affected: yes.
Comment: Not observed at significant frequency in large population cohorts (gnomAD); In silico analysis supports that this missense variant has a deleterious effect on protein structure/function; This variant is associated with the following publications: (PMID: 25611685, 28606303, 27532257, 29300372, 37652022, 28193612)

Laboratory for Molecular Medicine, Mass General Brigham Personalized Medicine
Classification: Uncertain significance for Hypertrophic cardiomyopathy. Last evaluated: 2021-07-26. Review status: criteria provided, single submitter. Criteria: ACMG Guidelines, 2015. Collection method: clinical testing. Allele origin: germline. Inheritance: Autosomal dominant inheritance.
Comment: proposed classification - variant undergoing re-assessment, contact laboratory

Literature cited by the submitters: PubMed 27532257 (cited by Laboratory for Molecular Medicine, Mass General Brigham Personalized Medicine); PubMed 25611685 (cited by Laboratory for Molecular Medicine, Mass General Brigham Personalized Medicine).